The following is an entry in ClinVar:

NM_001276270.2(MBD4):c.946T>C (p.Ser316Pro)

Gene: MBD4 (methyl-CpG binding domain 4, DNA glycosylase; minus strand). Cytogenetic location: 3q21.3.
Variant type: single nucleotide variant.
Coding change: c.946T>C on transcript NM_001276270.2 (MANE Select); coding-DNA position 946, T replaced by C.
Protein change: p.Ser316Pro; replaces serine 316 with proline.
Molecular consequence: missense variant. On other transcripts: intron variant (1).
Genome position (GRCh38, 1-based): chr3:129,436,698, A>G on the plus strand (T>C on the coding strand, the complement: MBD4 is on the minus strand). VCF-style: chr3-129436698-A-G. GRCh37 (hg19) VCF-style: chr3-129155541-A-G.
Other names: c.946T>C, p.Ser316Pro (NM_001276271.2, NM_001276272.2, NM_003925.3); c.247+1110T>C (NM_001276273.2); short protein forms S316P.
Identifiers: ClinVar variation 4719025 (VCV004719025.1).
Genomic context (GRCh38, chr3:129,436,698, plus strand): 5'-ATTTGTTTATGATGCCAGAAGTTTTTTGTTCAGAACAAAAATTTGATCCTGAACTCAATG[A>G]TCTTTCTTTTTTTTTTACAAGGCTGTTTTCTTCACTGGTCACACTGAGGGTCTCACCACA-3'
Protein context (NP_001263199.1, residues 306-326): ENSLVKKKER[Ser316Pro]LSSGSNFCSE

ClinVar aggregate classification (germline): Uncertain significance (1 of 4 stars; one submission).

Submission:

Labcorp Genetics (formerly Invitae), Labcorp
Classification: Uncertain significance. Last evaluated: 2025-09-06. Review status: criteria provided, single submitter. Criteria: Invitae Variant Classification Sherloc (09022015). Collection method: clinical testing. Allele origin: germline.
Comment: This sequence change replaces serine, which is neutral and polar, with proline, which is neutral and non-polar, at codon 316 of the MBD4 protein (p.Ser316Pro). This variant is not present in population databases (gnomAD no frequency). This variant has not been reported in the literature in individuals affected with MBD4-related conditions. An algorithm developed to predict the effect of missense changes on protein structure and function outputs the following: PolyPhen-2: "Benign". The proline amino acid residue is found in multiple mammalian species, which suggests that this missense change does not adversely affect protein function. In summary, the available evidence is currently insufficient to determine the role of this variant in disease. Therefore, it has been classified as a Variant of Uncertain Significance.